The following is an entry in ClinVar:

NM_001042492.3(NF1):c.5931G>A (p.Lys1977=)

Gene: NF1 (neurofibromin 1; plus strand). Cytogenetic location: 17q11.2.
Variant type: single nucleotide variant.
Coding change: c.5931G>A on transcript NM_001042492.3 (MANE Select); coding-DNA position 5931, G replaced by A.
Protein change: p.Lys1977=; no amino-acid change (lysine 1977 retained).
Molecular consequence: synonymous variant.
Genome position (GRCh38, 1-based): chr17:31,334,956, G>A. VCF-style: chr17-31334956-G-A. GRCh37 (hg19) VCF-style: chr17-29661974-G-A.
Other names: c.5868G>A, p.Lys1956= (NM_000267.4).
Identifiers: ClinVar variation 184761 (VCV000184761.17), dbSNP rs786201672, ClinGen allele CA189971.

ClinVar aggregate classification (germline): Benign/Likely benign. Review status: criteria provided, multiple submitters, no conflicts (2 of 4 stars). 5 submissions from 5 submitters: Benign (1); Likely benign (4). Last evaluated 2026-05-20.

Conditions:
Hereditary cancer-predisposing syndrome. Also called: Tumor predisposition; Hereditary neoplastic syndrome; Neoplastic Syndromes, Hereditary; Hereditary Cancer Syndrome. Identifiers: Orphanet 140162, MedGen C0027672, MeSH D009386, MONDO:0015356.
Neurofibromatosis, type 1 (NF1). Also called: Neurofibromatosis, type I; NEUROFIBROMATOSIS, TYPE I, SOMATIC; VON RECKLINGHAUSEN DISEASE; Peripheral type neurofibromatosis. Identifiers: Orphanet 636, MedGen C0027831, MONDO:0018975, OMIM 162200. Disease mechanism: loss of function.

Allele frequency attached by ClinVar (database versions not stated): TOPMed below 0.00001; gnomAD exomes 0.00001.
gnomAD v4.1: 3 of 1,613,596 alleles (0.00019%); highest among the groups gnomAD compares: South Asian, 0.0011%; no homozygotes.

Submissions (5):

Myriad Genetics, Inc.
Classification: Benign for Neurofibromatosis, type 1. Last evaluated: 2026-05-20. Review status: criteria provided, single submitter. Criteria: Myriad Autosomal Dominant, Autosomal Recessive and X-Linked Classification Criteria (2023). Collection method: clinical testing. Allele origin: unknown.
Comment: This variant is considered benign. This variant is a silent/synonymous amino acid change and it is not expected to impact splicing.

Labcorp Genetics (formerly Invitae), Labcorp
Classification: Likely benign for Neurofibromatosis, type 1. Last evaluated: 2025-10-13. Review status: criteria provided, single submitter. Criteria: Invitae Variant Classification Sherloc (09022015). Collection method: clinical testing. Allele origin: germline.

Genome-Nilou Lab
Classification: Likely benign for Neurofibromatosis, type 1. Last evaluated: 2022-03-15. Review status: criteria provided, single submitter. Criteria: ACMG Guidelines, 2015. Collection method: clinical testing. Allele origin: germline. Affected: no.

GeneDx
Classification: Likely benign. Last evaluated: 2021-04-26. Review status: criteria provided, single submitter. Criteria: GeneDx Variant Classification Process June 2021. Collection method: clinical testing. Allele origin: germline. Affected: yes.

Ambry Genetics
Classification: Likely benign for Hereditary cancer-predisposing syndrome. Last evaluated: 2014-10-29. Review status: criteria provided, single submitter. Criteria: Ambry Autosomal Dominant and X-Linked criteria (10/2015). Collection method: clinical testing. Allele origin: germline. Observed: 1 variant allele.